The following is an entry in ClinVar:

ClinVar aggregate classification (germline): Uncertain significance. Review status: criteria provided, multiple submitters, no conflicts (2 of 4 stars). 2 submissions from 2 submitters: Uncertain significance (2). Last evaluated 2023-10-10.

Conditions:
Hypertrophic cardiomyopathy. Also called: HYPERTROPHIC MYOCARDIOPATHY. Identifiers: Orphanet 217569, MedGen C0007194, MeSH D002312, MONDO:0005045, HP:0001639.

Allele frequency attached by ClinVar (database versions not stated): gnomAD exomes below 0.00001.
gnomAD v4.1: 1 of 1,614,236 alleles (0.000062%); highest among the groups gnomAD compares: East Asian, 0.0022%; no homozygotes.

Submissions (2):

Labcorp Genetics (formerly Invitae), Labcorp
Classification: Uncertain significance for Hypertrophic cardiomyopathy. Last evaluated: 2023-10-10. Review status: criteria provided, single submitter. Criteria: Invitae Variant Classification Sherloc (09022015). Collection method: clinical testing. Allele origin: germline.
Comment: This sequence change replaces lysine, which is basic and polar, with arginine, which is basic and polar, at codon 206 of the MYH7 protein (p.Lys206Arg). This variant is present in population databases (rs730880846, gnomAD 0.006%). This variant has not been reported in the literature in individuals affected with MYH7-related conditions. ClinVar contains an entry for this variant (Variation ID: 181316). Advanced modeling of protein sequence and biophysical properties (such as structural, functional, and spatial information, amino acid conservation, physicochemical variation, residue mobility, and thermodynamic stability) performed at Invitae indicates that this missense variant is expected to disrupt MYH7 protein function. In summary, the available evidence is currently insufficient to determine the role of this variant in disease. Therefore, it has been classified as a Variant of Uncertain Significance.

GeneDx
Classification: Uncertain significance. Last evaluated: 2022-01-27. Review status: criteria provided, single submitter. Criteria: GeneDx Variant Classification Process June 2021. Collection method: clinical testing. Allele origin: germline. Affected: yes.
Comment: Has not been previously published as pathogenic or benign to our knowledge; Not observed at significant frequency in large population cohorts (gnomAD); In silico analysis supports that this missense variant does not alter protein structure/function; This variant is associated with the following publications: (PMID: 27532257, 29300372)

NM_000257.4(MYH7):c.617A>G (p.Lys206Arg)

Gene: MYH7 (myosin heavy chain 7; minus strand). Cytogenetic location: 14q11.2.
Variant type: single nucleotide variant.
Coding change: c.617A>G on transcript NM_000257.4 (MANE Select); coding-DNA position 617, A replaced by G.
Protein change: p.Lys206Arg; replaces lysine 206 with arginine.
Molecular consequence: missense variant.
Genome position (GRCh38, 1-based): chr14:23,431,783, T>C on the plus strand (A>G on the coding strand, the complement: MYH7 is on the minus strand). VCF-style: chr14-23431783-T-C. GRCh37 (hg19) VCF-style: chr14-23900992-T-C.
Other names: p.K206R:AAG>AGG; c.617A>G (LRG_384t1); short protein forms K206R.
Identifiers: ClinVar variation 181316 (VCV000181316.8), dbSNP rs730880846, ClinGen allele CA016559.